The following is an entry in ClinVar:

NM_004006.3(DMD):c.8513T>C (p.Phe2838Ser)

Gene: DMD (dystrophin; minus strand). Cytogenetic location: Xp21.2.
Variant type: single nucleotide variant.
Coding change: c.8513T>C on transcript NM_004006.3 (MANE Select); coding-DNA position 8513, T replaced by C.
Protein change: p.Phe2838Ser; replaces phenylalanine 2838 with serine.
Molecular consequence: missense variant.
Genome position (GRCh38, 1-based): chrX:31,496,822, A>G on the plus strand (T>C on the coding strand, the complement: DMD is on the minus strand). VCF-style: chrX-31496822-A-G. GRCh37 (hg19) VCF-style: chrX-31514939-A-G.
Other names: c.8489T>C, p.Phe2830Ser (NM_000109.4); c.8501T>C, p.Phe2834Ser (NM_004009.3); c.8144T>C, p.Phe2715Ser (NM_004010.3); c.4490T>C, p.Phe1497Ser (NM_004011.4); c.4481T>C, p.Phe1494Ser (NM_004012.4); c.1133T>C, p.Phe378Ser (NM_004013.3, NM_004020.4, NM_004021.3 and 2 more transcripts); c.326T>C, p.Phe109Ser (NM_004014.3); short protein forms F109S, F1494S, F1497S, F2715S, F2830S, F2834S, F2838S, F378S.
Identifiers: ClinVar variation 4798689 (VCV004798689.1).

ClinVar aggregate classification (germline): Uncertain significance (1 of 4 stars; one submission).

Conditions:
Duchenne muscular dystrophy (DMD). Also called: MUSCULAR DYSTROPHY, PSEUDOHYPERTROPHIC PROGRESSIVE, DUCHENNE TYPE; Duchenne Muscular Dystrophy (DMD). Identifiers: Orphanet 98896, MedGen C0013264, MONDO:0010679, OMIM 310200.

Submission:

Labcorp Genetics (formerly Invitae), Labcorp
Classification: Uncertain significance for Duchenne muscular dystrophy. Last evaluated: 2025-04-08. Review status: criteria provided, single submitter. Criteria: Invitae Variant Classification Sherloc (09022015). Collection method: clinical testing. Allele origin: germline.
Comment: This sequence change replaces phenylalanine, which is neutral and non-polar, with serine, which is neutral and polar, at codon 2838 of the DMD protein (p.Phe2838Ser). This variant is not present in population databases (gnomAD no frequency). This variant has not been reported in the literature in individuals affected with DMD-related conditions. Invitae Evidence Modeling of protein sequence and biophysical properties (such as structural, functional, and spatial information, amino acid conservation, physicochemical variation, residue mobility, and thermodynamic stability) indicates that this missense variant is not expected to disrupt DMD protein function with a negative predictive value of 95%. In summary, the available evidence is currently insufficient to determine the role of this variant in disease. Therefore, it has been classified as a Variant of Uncertain Significance.